The following is an entry in ClinVar:

ClinVar aggregate classification (germline): Uncertain significance (1 of 4 stars; one submission).

Conditions:
KBG syndrome (KBGS). Also called: ANKRD11-Related KBG Syndrome. Identifiers: Orphanet 2332, MedGen C0220687, MONDO:0007846, OMIM 148050.

Submission:

Labcorp Genetics (formerly Invitae), Labcorp
Classification: Uncertain significance for KBG syndrome. Last evaluated: 2024-08-06. Review status: criteria provided, single submitter. Criteria: Invitae Variant Classification Sherloc (09022015). Collection method: clinical testing. Allele origin: germline.
Comment: This sequence change replaces isoleucine, which is neutral and non-polar, with threonine, which is neutral and polar, at codon 2418 of the ANKRD11 protein (p.Ile2418Thr). This variant is not present in population databases (gnomAD no frequency). This variant has not been reported in the literature in individuals affected with ANKRD11-related conditions. Advanced modeling of protein sequence and biophysical properties (such as structural, functional, and spatial information, amino acid conservation, physicochemical variation, residue mobility, and thermodynamic stability) performed at Invitae indicates that this missense variant is expected to disrupt ANKRD11 protein function with a positive predictive value of 80%. In summary, the available evidence is currently insufficient to determine the role of this variant in disease. Therefore, it has been classified as a Variant of Uncertain Significance.

NM_013275.6(ANKRD11):c.7253T>C (p.Ile2418Thr)

Gene: ANKRD11 (ankyrin repeat domain 11; minus strand). Cytogenetic location: 16q24.3.
Variant type: single nucleotide variant.
Coding change: c.7253T>C on transcript NM_013275.6 (MANE Select); coding-DNA position 7253, T replaced by C.
Protein change: p.Ile2418Thr; replaces isoleucine 2418 with threonine.
Molecular consequence: missense variant.
Genome position (GRCh38, 1-based): chr16:89,279,289, A>G on the plus strand (T>C on the coding strand, the complement: ANKRD11 is on the minus strand). VCF-style: chr16-89279289-A-G. GRCh37 (hg19) VCF-style: chr16-89345697-A-G.
Other names: c.7253T>C, p.Ile2418Thr (NM_001256182.2, NM_001256183.2); short protein forms I2418T.
Identifiers: ClinVar variation 2816999 (VCV002816999.3), dbSNP rs2544218767, ClinGen allele CA397148770.